The following is an entry in ClinVar:

NM_000748.3(CHRNB2):c.1040T>A (p.Leu347His)

Gene: CHRNB2 (cholinergic receptor nicotinic beta 2 subunit; plus strand). Cytogenetic location: 1q21.3.
Variant type: single nucleotide variant.
Coding change: c.1040T>A on transcript NM_000748.3 (MANE Select); coding-DNA position 1040, T replaced by A.
Protein change: p.Leu347His; replaces leucine 347 with histidine.
Molecular consequence: missense variant.
Genome position (GRCh38, 1-based): chr1:154,571,863, T>A. VCF-style: chr1-154571863-T-A. GRCh37 (hg19) VCF-style: chr1-154544339-T-A.
Other names: short protein forms L347H.
Identifiers: ClinVar variation 945317 (VCV000945317.8), dbSNP rs368787419, ClinGen allele CA342631357.

ClinVar aggregate classification (germline): Uncertain significance (1 of 4 stars; one submission).

Conditions:
Familial sleep-related hypermotor epilepsy. Also called: Autosomal Dominant Sleep-Related Hypermotor (Hyperkinetic) Epilepsy. Identifiers: Orphanet 98784, MedGen C3696898, MONDO:0000030.

Allele frequency attached by ClinVar (database versions not stated): gnomAD exomes 0.00001.

Submission:

Labcorp Genetics (formerly Invitae), Labcorp
Classification: Uncertain significance. Last evaluated: 2023-12-21. Review status: criteria provided, single submitter. Criteria: Invitae Variant Classification Sherloc (09022015). Collection method: clinical testing. Allele origin: germline.
Comment: This sequence change replaces leucine, which is neutral and non-polar, with histidine, which is basic and polar, at codon 347 of the CHRNB2 protein (p.Leu347His). This variant is present in population databases (no rsID available, gnomAD 0.003%). This variant has not been reported in the literature in individuals affected with CHRNB2-related conditions. ClinVar contains an entry for this variant (Variation ID: 945317). Advanced modeling of protein sequence and biophysical properties (such as structural, functional, and spatial information, amino acid conservation, physicochemical variation, residue mobility, and thermodynamic stability) performed at Invitae indicates that this missense variant is expected to disrupt CHRNB2 protein function with a positive predictive value of 80%. In summary, the available evidence is currently insufficient to determine the role of this variant in disease. Therefore, it has been classified as a Variant of Uncertain Significance.